The following is an entry in ClinVar:

ClinVar aggregate classification (germline): Uncertain significance. Review status: criteria provided, multiple submitters, no conflicts (2 of 4 stars). 5 submissions from 5 submitters: Uncertain significance (5). Last evaluated 2025-12-22.

Conditions:
Familial adenomatous polyposis 1 (FAP1). Also called: FAMILIAL ADENOMATOUS POLYPOSIS 1, ATTENUATED; POLYPOSIS, ADENOMATOUS INTESTINAL. Identifiers: MedGen C2713442, MONDO:0021056, OMIM 175100. Disease mechanism: loss of function.
Hereditary cancer-predisposing syndrome. Also called: Neoplastic Syndromes, Hereditary; Hereditary neoplastic syndrome; Tumor predisposition; Hereditary Cancer Syndrome. Identifiers: Orphanet 140162, MedGen C0027672, MeSH D009386, MONDO:0015356.

Allele frequency attached by ClinVar (database versions not stated): gnomAD exomes below 0.00001; TOPMed below 0.00001.

Submissions (5):

Ambry Genetics
Classification: Uncertain significance for Hereditary cancer-predisposing syndrome. Last evaluated: 2025-12-22. Review status: criteria provided, single submitter. Criteria: Ambry Variant Classification Scheme 2023. Collection method: clinical testing. Allele origin: germline.
Comment: The p.S290G variant (also known as c.868A>G), located in coding exon 8 of the APC gene, results from an A to G substitution at nucleotide position 868. The serine at codon 290 is replaced by glycine, an amino acid with similar properties. This amino acid position is well conserved in available vertebrate species. In addition, in silico predictors for this gene do not accurately predict pathogenicity. Missense alterations in APC are not a common cause of disease (Spier I et al. Genet Med. 2024 Feb;26(2):100992). Based on the available evidence, the clinical significance of this variant remains unclear.

Labcorp Genetics (formerly Invitae), Labcorp
Classification: Uncertain significance for Familial adenomatous polyposis 1. Last evaluated: 2025-01-28. Review status: criteria provided, single submitter. Criteria: Invitae Variant Classification Sherloc (09022015). Collection method: clinical testing. Allele origin: germline.
Comment: This sequence change replaces serine, which is neutral and polar, with glycine, which is neutral and non-polar, at codon 290 of the APC protein (p.Ser290Gly). This variant is present in population databases (no rsID available, gnomAD 0.006%). This variant has not been reported in the literature in individuals affected with APC-related conditions. ClinVar contains an entry for this variant (Variation ID: 570789). Invitae Evidence Modeling of protein sequence and biophysical properties (such as structural, functional, and spatial information, amino acid conservation, physicochemical variation, residue mobility, and thermodynamic stability) indicates that this missense variant is not expected to disrupt APC protein function with a negative predictive value of 95%. In summary, the available evidence is currently insufficient to determine the role of this variant in disease. Therefore, it has been classified as a Variant of Uncertain Significance.

Color Diagnostics, LLC DBA Color Health
Classification: Uncertain significance for Hereditary cancer-predisposing syndrome. Last evaluated: 2023-12-05. Review status: criteria provided, single submitter. Criteria: ACMG Guidelines, 2015. Collection method: clinical testing. Allele origin: germline.
Comment: This missense variant replaces serine with glycine at codon 290 of the APC protein. Computational prediction suggests that this variant may not impact protein structure and function (internally defined REVEL score threshold <= 0.5, PMID: 27666373). To our knowledge, functional studies have not been reported for this variant. This variant has not been reported in individuals affected with APC-related disorders in the literature. This variant has been identified in 1/251108 chromosomes in the general population by the Genome Aggregation Database (gnomAD). The available evidence is insufficient to determine the role of this variant in disease conclusively. Therefore, this variant is classified as a Variant of Uncertain Significance.

Baylor Genetics
Classification: Uncertain significance for Familial adenomatous polyposis 1. Last evaluated: 2023-10-30. Review status: criteria provided, single submitter. Criteria: ACMG Guidelines, 2015. Collection method: clinical testing. Allele origin: unknown.

Quest Diagnostics Nichols Institute San Juan Capistrano
Classification: Uncertain significance. Last evaluated: 2023-05-30. Review status: criteria provided, single submitter. Criteria: Quest Diagnostics criteria. Collection method: clinical testing. Allele origin: unknown.
Comment: To the best of our knowledge, this variant has not been reported in the published literature. The frequency of this variant in the general population, 0.000004 (1/251108 chromosomes (Genome Aggregation Database)), is uninformative in the assessment of its pathogenicity. Analysis of this variant using bioinformatics tools for the prediction of the effect of amino acid changes on protein structure and function yielded conflicting predictions that this variant is deleterious or benign. Based on the available information, we are unable to determine the clinical significance of this variant.

NM_000038.6(APC):c.868A>G (p.Ser290Gly)

Gene: APC (APC regulator of Wnt signaling pathway; plus strand). Cytogenetic location: 5q22.2.
Variant type: single nucleotide variant.
Coding change: c.868A>G on transcript NM_000038.6 (MANE Select); coding-DNA position 868, A replaced by G.
Protein change: p.Ser290Gly; replaces serine 290 with glycine.
Molecular consequence: missense variant.
Genome position (GRCh38, 1-based): chr5:112,815,528, A>G. VCF-style: chr5-112815528-A-G. GRCh37 (hg19) VCF-style: chr5-112151225-A-G.
Other names: c.868A>G, p.Ser290Gly (NM_001127510.3, NM_001354895.2, NM_001354896.2 and 1 more transcripts); c.814A>G, p.Ser272Gly (NM_001127511.3); c.898A>G, p.Ser300Gly (NM_001354897.2, NM_001354902.2); c.793A>G, p.Ser265Gly (NM_001354898.2, NM_001354904.2); c.784A>G, p.Ser262Gly (NM_001354899.2); c.691A>G, p.Ser231Gly (NM_001354900.2, NM_001354901.2, NM_001354905.2); c.19A>G, p.Ser7Gly (NM_001354906.2); short protein forms S272G, S290G, S262G, S265G, S7G, S231G, S300G.
Identifiers: ClinVar variation 570789 (VCV000570789.19), dbSNP rs1274532942, ClinGen allele CA16023217.